The following is an entry in ClinVar:

ClinVar aggregate classification (germline): Likely benign. Review status: criteria provided, multiple submitters, no conflicts (2 of 4 stars). 4 submissions from 4 submitters: Likely benign (4). Last evaluated 2026-04-07.

Conditions:
GBF1-related disorder. Also called: GBF1-related condition.

gnomAD v4.1: 1,412 of 1,614,204 alleles (0.087%); highest among the groups gnomAD compares: Non-Finnish European, 0.11%; 4 homozygotes.

Submissions (4):

Women's Health and Genetics/Laboratory Corporation of America, LabCorp
Classification: Likely benign. Last evaluated: 2026-04-07. Review status: criteria provided, single submitter. Criteria: LabCorp Variant Classification Summary - May 2015. Collection method: clinical testing. Allele origin: germline.

Mayo Clinic Laboratories, Mayo Clinic
Classification: Likely benign. Last evaluated: 2025-10-22. Review status: criteria provided, single submitter. Criteria: ACMG Guidelines, 2015. Collection method: clinical testing. Allele origin: germline. Observed: 3 variant alleles.
Comment: BS2, BP4_moderate

PreventionGenetics, part of Exact Sciences
Classification: Likely benign for GBF1-related condition. Last evaluated: 2025-07-30. Review status: criteria provided, single submitter. Criteria: ACMG Guidelines, 2015. Collection method: clinical testing. Allele origin: germline.
Comment: This variant is classified as likely benign based on ACMG/AMP sequence variant interpretation guidelines (Richards et al. 2015 PMID: 25741868, with internal and published modifications).

CeGaT Center for Human Genetics Tuebingen
Classification: Likely benign. Last evaluated: 2024-12-01. Review status: criteria provided, single submitter. Criteria: CeGaT Center For Human Genetics Tuebingen Variant Classification Criteria Version 2. Collection method: clinical testing. Allele origin: germline. Affected: yes. Observed: 1 variant allele.
Comment: GBF1: BP4, BS1:Supporting

NM_001377137.1(GBF1):c.4045G>A (p.Val1349Met)

Gene: GBF1 (golgi brefeldin A resistant guanine nucleotide exchange factor 1; plus strand). Cytogenetic location: 10q24.32.
Variant type: single nucleotide variant.
Coding change: c.4045G>A on transcript NM_001377137.1 (MANE Select); coding-DNA position 4045, G replaced by A.
Protein change: p.Val1349Met; replaces valine 1349 with methionine.
Molecular consequence: missense variant. On other transcripts: non-coding transcript variant (5).
Genome position (GRCh38, 1-based): chr10:102,376,430, G>A. VCF-style: chr10-102376430-G-A. GRCh37 (hg19) VCF-style: chr10-104136187-G-A.
Other names: p.Val1348Met; c.4045G>A, p.Val1349Met (NM_001199378.2, NM_001391923.1); c.4042G>A, p.Val1348Met (NM_001199379.2, NM_001377141.1, NM_001391924.1 and 3 more transcripts); c.4006G>A, p.Val1336Met (NM_001377138.1, NM_001391925.1); c.3748G>A, p.Val1250Met (NM_001377139.1, NM_001377140.1); c.4141G>A, p.Val1381Met (NM_001391922.1, NM_001411027.1); c.4009G>A, p.Val1337Met (NM_001391926.1); c.3901G>A, p.Val1301Met (NM_001391928.1); and 4 more; short protein forms V1222M, V1250M, V1269M, V1301M, V1336M, V1337M, V1348M, V1349M.
Identifiers: ClinVar variation 3770740 (VCV003770740.16).
Genomic context (GRCh38, chr10:102,376,430, plus strand): 5'-AGGCCGGGCAAGATACACCGATCAGCCACAGATGCCGATGTGGTCAACAGTGGTTGGTTA[G>A]TGGTGAGTGACAATATGGGCAGCAATTGAGTCTCTCCTGCTTGACCTGTGGGAAGAATTC-3'
Protein context (NP_001364066.1, residues 1339-1359): DADVVNSGWL[Val1349Met]VGKDDVDNSK